The following is an entry in ClinVar:

NM_000111.3(SLC26A3):c.1261G>A (p.Val421Met)

Gene: SLC26A3 (solute carrier family 26 member 3; minus strand). Cytogenetic location: 7q22.3.
Variant type: single nucleotide variant.
Coding change: c.1261G>A on transcript NM_000111.3 (MANE Select); coding-DNA position 1261, G replaced by A.
Protein change: p.Val421Met; replaces valine 421 with methionine.
Molecular consequence: missense variant.
Genome position (GRCh38, 1-based): chr7:107,782,847, C>T on the plus strand (G>A on the coding strand, the complement: SLC26A3 is on the minus strand). VCF-style: chr7-107782847-C-T. GRCh37 (hg19) VCF-style: chr7-107423292-C-T.
Other names: short protein forms V421M.
Identifiers: ClinVar variation 4752466 (VCV004752466.1).
Genomic context (GRCh38, chr7:107,782,847, plus strand): 5'-ACAGTGTTACCTTTTGTAGAGGCGCCAGGAGAAATCCAATGGCTAGAACGACAATCAGCA[C>T]GATGATGGCACCAATAAGCCCAGCAATCTGTGAGGATAAAAAAATTATCATCACCAACTC-3'
Protein context (NP_000102.1, residues 411-431): QIAGLIGAII[Val421Met]LIVVLAIGFL

ClinVar aggregate classification (germline): Uncertain significance (1 of 4 stars; one submission).

Submission:

Labcorp Genetics (formerly Invitae), Labcorp
Classification: Uncertain significance. Last evaluated: 2025-02-17. Review status: criteria provided, single submitter. Criteria: Invitae Variant Classification Sherloc (09022015). Collection method: clinical testing. Allele origin: germline.
Comment: This sequence change replaces valine, which is neutral and non-polar, with methionine, which is neutral and non-polar, at codon 421 of the SLC26A3 protein (p.Val421Met). This variant is present in population databases (no rsID available, gnomAD 0.0009%). This variant has not been reported in the literature in individuals affected with SLC26A3-related conditions. Invitae Evidence Modeling of protein sequence and biophysical properties (such as structural, functional, and spatial information, amino acid conservation, physicochemical variation, residue mobility, and thermodynamic stability) indicates that this missense variant is not expected to disrupt SLC26A3 protein function with a negative predictive value of 80%. In summary, the available evidence is currently insufficient to determine the role of this variant in disease. Therefore, it has been classified as a Variant of Uncertain Significance.